The following is an entry in ClinVar:

NM_182961.4(SYNE1):c.9083G>A (p.Arg3028Gln)

Gene: SYNE1 (spectrin repeat containing nuclear envelope protein 1; minus strand). Cytogenetic location: 6q25.2.
Variant type: single nucleotide variant.
Coding change: c.9083G>A on transcript NM_182961.4 (MANE Select); coding-DNA position 9083, G replaced by A.
Protein change: p.Arg3028Gln; replaces arginine 3028 with glutamine.
Molecular consequence: missense variant.
Genome position (GRCh38, 1-based): chr6:152,376,839, C>T on the plus strand (G>A on the coding strand, the complement: SYNE1 is on the minus strand). VCF-style: chr6-152376839-C-T. GRCh37 (hg19) VCF-style: chr6-152697974-C-T.
Other names: c.9104G>A, p.Arg3035Gln (NM_033071.5); short protein forms R3028Q, R3035Q.
Identifiers: ClinVar variation 2929256 (VCV002929256.3), dbSNP rs1385273320, ClinGen allele CA366142069.

ClinVar aggregate classification (germline): Uncertain significance (1 of 4 stars; one submission).

Conditions:
Emery-Dreifuss muscular dystrophy 4, autosomal dominant (EDMD4). Also called: EMERY-DREIFUSS MUSCULAR DYSTROPHY 4 WITH VARIABLE FEATURES. Identifiers: Orphanet 261, MedGen C2751807, MONDO:0013071, OMIM 612998.
Autosomal recessive ataxia, Beauce type. Also called: SYNE1-Related Autosomal Recessive Cerebellar Ataxia; SYNE1 Deficiency; Spinocerebellar ataxia, autosomal recessive 8; ATAXIA, RECESSIVE, OF BEAUCE. Identifiers: Orphanet 88644, MedGen C1853116, MONDO:0012549, OMIM 610743.

Allele frequency attached by ClinVar (database versions not stated): gnomAD exomes below 0.00001.
gnomAD v4.1: 2 of 1,614,098 alleles (0.00012%); highest among the groups gnomAD compares: African/African-American, 0.0013%; no homozygotes.

Submission:

Labcorp Genetics (formerly Invitae), Labcorp
Classification: Uncertain significance for Emery-Dreifuss muscular dystrophy 4, autosomal dominant; Autosomal recessive ataxia, Beauce type. Last evaluated: 2022-11-29. Review status: criteria provided, single submitter. Criteria: Invitae Variant Classification Sherloc (09022015). Collection method: clinical testing. Allele origin: germline.
Comment: This sequence change replaces arginine, which is basic and polar, with glutamine, which is neutral and polar, at codon 3035 of the SYNE1 protein (p.Arg3035Gln). The frequency data for this variant in the population databases is considered unreliable, as metrics indicate poor data quality at this position in the gnomAD database. This variant has not been reported in the literature in individuals affected with SYNE1-related conditions. Algorithms developed to predict the effect of missense changes on protein structure and function (SIFT, PolyPhen-2, Align-GVGD) all suggest that this variant is likely to be disruptive. In summary, the available evidence is currently insufficient to determine the role of this variant in disease. Therefore, it has been classified as a Variant of Uncertain Significance.